The following is an entry in ClinVar:

NM_006258.4(PRKG1):c.763-296A>G

Gene: PRKG1 (protein kinase cGMP-dependent 1; plus strand). Cytogenetic location: 10q21.1.
Variant type: single nucleotide variant.
Coding change: c.763-296A>G on transcript NM_006258.4 (MANE Select); 296 bases into the intron before coding-DNA position 763, A replaced by G.
Molecular consequence: intron variant.
Genome position (GRCh38, 1-based): chr10:52,054,188, A>G. VCF-style: chr10-52054188-A-G. GRCh37 (hg19) VCF-style: chr10-53813948-A-G.
Other names: c.718-296A>G (NM_001098512.3).
Identifiers: ClinVar variation 683717 (VCV000683717.1), dbSNP rs1904008, ClinGen allele CA13190459.

ClinVar aggregate classification (germline): Benign (1 of 4 stars; one submission).

Allele frequency attached by ClinVar (database versions not stated): 1000 Genomes Project 30x 0.33198; 1000 Genomes Project 0.33466; TOPMed 0.38017; gnomAD 0.38340 and 0.38426.
gnomAD v4.1: 58,269 of 151,742 alleles (38%); highest among the groups gnomAD compares: Non-Finnish European, 44%; 11,367 homozygotes.

Submission:

GeneDx
Classification: Benign. Last evaluated: 2018-06-18. Review status: criteria provided, single submitter. Criteria: GeneDx Variant Classification (06012015). Collection method: clinical testing. Allele origin: germline. Affected: yes.
Comment: This variant is considered likely benign or benign based on one or more of the following criteria: it is a conservative change, it occurs at a poorly conserved position in the protein, it is predicted to be benign by multiple in silico algorithms, and/or has population frequency not consistent with disease.